The following is an entry in ClinVar:

NM_015488.5(PNKD):c.951G>A (p.Trp317Ter)

Genes: CATIP-AS2 (CATIP antisense RNA 2; minus strand), PNKD (PNKD metallo-beta-lactamase domain containing; plus strand). Cytogenetic location: 2q35.
Variant type: single nucleotide variant.
Coding change: c.951G>A on transcript NM_015488.5 (MANE Select); coding-DNA position 951, G replaced by A.
Protein change: p.Trp317Ter; replaces tryptophan 317 with a stop codon.
Molecular consequence: nonsense.
Genome position (GRCh38, 1-based): chr2:218,344,537, G>A. VCF-style: chr2-218344537-G-A. GRCh37 (hg19) VCF-style: chr2-219209260-G-A.
Other names: c.879G>A, p.Trp293Ter (NM_022572.5); short protein forms W293*, W317*.
Identifiers: ClinVar variation 1331462 (VCV001331462.1), dbSNP rs2106298428, ClinGen allele CA350542919.

ClinVar aggregate classification (germline): Uncertain significance (1 of 4 stars; one submission).

Allele frequency attached by ClinVar (database versions not stated): gnomAD exomes below 0.00001.
gnomAD v4.1: 1 of 1,591,498 alleles (0.000063%); highest among the groups gnomAD compares: Non-Finnish European, 0.000086%; no homozygotes.

Submission:

Women's Health and Genetics/Laboratory Corporation of America, LabCorp
Classification: Uncertain significance. Last evaluated: 2021-12-20. Review status: criteria provided, single submitter. Criteria: LabCorp Variant Classification Summary - May 2015. Collection method: clinical testing. Allele origin: germline.
Comment: Variant summary: PNKD c.951G>A (p.Trp317X) results in a premature termination codon, predicted to cause a truncation of the encoded protein or absence of the protein due to nonsense mediated decay, which are commonly known mechanisms for disease. Truncations downstream of this position have not been classified as pathogenic by our laboratory or reported in ClinVar. The variant was absent in 211216 control chromosomes. The available data on variant occurrences in the general population are insufficient to allow any conclusion about variant significance. To our knowledge, no occurrence of c.951G>A in individuals affected with Paroxysmal Nonkinesigenic Dyskinesia 1 and no experimental evidence demonstrating its impact on protein function have been reported. No clinical diagnostic laboratories have submitted clinical-significance assessments for this variant to ClinVar after 2014. Based on the evidence outlined above, the variant was classified as uncertain significance.